The following is an entry in ClinVar:

ClinVar aggregate classification (germline): Uncertain significance (1 of 4 stars; one submission).

Conditions:
Hereditary cancer-predisposing syndrome. Also called: Hereditary neoplastic syndrome; Tumor predisposition; Hereditary Cancer Syndrome; Neoplastic Syndromes, Hereditary. Identifiers: Orphanet 140162, MedGen C0027672, MeSH D009386, MONDO:0015356.

Allele frequency attached by ClinVar (database versions not stated): gnomAD exomes below 0.00001; TOPMed below 0.00001.

Submission:

Ambry Genetics
Classification: Uncertain significance for Hereditary cancer-predisposing syndrome. Last evaluated: 2023-06-29. Review status: criteria provided, single submitter. Criteria: Ambry Variant Classification Scheme 2023. Collection method: clinical testing. Allele origin: germline.
Comment: The c.5621dupA variant, located in coding exon 26 of the DICER1 gene, results from a duplication of A at nucleotide position 5621, causing a translational frameshift with a predicted alternate stop codon (p.Y1874*). This alteration occurs at the 3' terminus of theDICER1 gene, is not expected to trigger nonsense-mediated mRNAdecay, and only impacts the last 49 amino acids of the protein. The exact functional effect of this alteration is unknown. Since supporting evidence is limited at this time, the clinical significance of this alteration remains unclear.

NM_177438.3(DICER1):c.5621dup (p.Tyr1874Ter)

Gene: DICER1 (dicer 1, ribonuclease III; minus strand). Cytogenetic location: 14q32.13.
Variant type: Duplication.
Coding change: c.5621dup on transcript NM_177438.3 (MANE Select); coding-DNA position 5621, one base duplicated (A; older notation c.5621dupA).
Protein change: p.Tyr1874Ter; replaces tyrosine 1874 with a stop codon.
Molecular consequence: nonsense. On other transcripts: non-coding transcript variant (6), frameshift variant (3).
Genome position (GRCh38, 1-based): chr14:95,090,646, T duplicated on the plus strand (A on the coding strand, the reverse complement: DICER1 is on the minus strand). VCF-style (leftmost placement, unchanged base first): chr14-95090645-G-GT. GRCh37 (hg19) VCF-style: chr14-95556982-G-GT.
Other names: c.5216dup, p.Tyr1739Ter (NM_001395689.1, NM_001395690.1, NM_001395687.1 and 1 more transcripts); c.5621dup, p.Tyr1874Ter (NM_030621.4, NM_001271282.3, NM_001291628.2 and 7 more transcripts); c.5054dup, p.Tyr1685Ter (NM_001395691.1); c.3938dup, p.Tyr1313Ter (NM_001395697.1); c.5458dup, p.Thr1820fs (NM_001195573.1); c.5621dup, p.Tyr1874Terfs (NM_001395681.1); c.5339dup, p.Tyr1780Ter (NM_001395686.1); c.5621dupA (NM_177438.2); short protein forms T1820fs, Y1313*, Y1739*, Y1780*, Y1685*, Y1874*.
Identifiers: ClinVar variation 2586390 (VCV002586390.2), dbSNP rs1566744996, ClinGen allele CA616115630.
Genomic context (GRCh38, chr14:95,090,645, plus strand): 5'-ACCAACACCTTTAAATTTCCCCTTTCCTACTACTTCCACAGTGACTCTGACCTTCCCGTC[G>GT]TAAGTTCTCTCAGCCGGGCTGTAAAAAATCCAAACAGCTTGAATTAGAAGTCAGAAGTAT-3'